The following is an entry in ClinVar:

NM_017433.5(MYO3A):c.1628C>A (p.Ala543Asp)

Gene: MYO3A (myosin IIIA; plus strand). Cytogenetic location: 10p12.1.
Variant type: single nucleotide variant.
Coding change: c.1628C>A on transcript NM_017433.5 (MANE Select); coding-DNA position 1628, C replaced by A.
Protein change: p.Ala543Asp; replaces alanine 543 with aspartic acid.
Molecular consequence: missense variant.
Genome position (GRCh38, 1-based): chr10:26,096,446, C>A. VCF-style: chr10-26096446-C-A. GRCh37 (hg19) VCF-style: chr10-26385375-C-A.
Other names: short protein forms A543D.
Identifiers: ClinVar variation 3712638 (VCV003712638.2).

ClinVar aggregate classification (germline): Uncertain significance (1 of 4 stars; one submission).

Submission:

Labcorp Genetics (formerly Invitae), Labcorp
Classification: Uncertain significance. Last evaluated: 2024-10-09. Review status: criteria provided, single submitter. Criteria: Invitae Variant Classification Sherloc (09022015). Collection method: clinical testing. Allele origin: germline.
Comment: This sequence change replaces alanine, which is neutral and non-polar, with aspartic acid, which is acidic and polar, at codon 543 of the MYO3A protein (p.Ala543Asp). This variant is not present in population databases (gnomAD no frequency). This variant has not been reported in the literature in individuals affected with MYO3A-related conditions. Invitae Evidence Modeling of protein sequence and biophysical properties (such as structural, functional, and spatial information, amino acid conservation, physicochemical variation, residue mobility, and thermodynamic stability) indicates that this missense variant is not expected to disrupt MYO3A protein function with a negative predictive value of 80%. In summary, the available evidence is currently insufficient to determine the role of this variant in disease. Therefore, it has been classified as a Variant of Uncertain Significance.